The following is an entry in ClinVar:

NM_001023570.4(IQCB1):c.1573C>T (p.Pro525Ser)

Gene: IQCB1 (IQ motif containing B1; minus strand). Cytogenetic location: 3q13.33.
Variant type: single nucleotide variant.
Coding change: c.1573C>T on transcript NM_001023570.4 (MANE Select); coding-DNA position 1573, C replaced by T.
Protein change: p.Pro525Ser; replaces proline 525 with serine.
Molecular consequence: missense variant. On other transcripts: non-coding transcript variant (1).
Genome position (GRCh38, 1-based): chr3:121,770,569, G>A on the plus strand (C>T on the coding strand, the complement: IQCB1 is on the minus strand). VCF-style: chr3-121770569-G-A. GRCh37 (hg19) VCF-style: chr3-121489416-G-A.
Other names: c.1174C>T, p.Pro392Ser (NM_001023571.4); c.1573C>T, p.Pro525Ser (NM_001319107.2); short protein forms P525S, P392S.
Identifiers: ClinVar variation 1955021 (VCV001955021.5), dbSNP rs1445502603, ClinGen allele CA354109318.

ClinVar aggregate classification (germline): Uncertain significance (1 of 4 stars; one submission).

Conditions:
Nephronophthisis. Also called: Juvenile Nephronophthisis. Identifiers: Orphanet 655, MedGen C0687120, MONDO:0019005, HP:0000090.

gnomAD v4.1: 1 of 1,611,882 alleles (0.000062%); highest among the groups gnomAD compares: Middle Eastern, 0.016%; no homozygotes.

Submission:

Labcorp Genetics (formerly Invitae), Labcorp
Classification: Uncertain significance for Nephronophthisis. Last evaluated: 2024-02-05. Review status: criteria provided, single submitter. Criteria: Invitae Variant Classification Sherloc (09022015). Collection method: clinical testing. Allele origin: germline.
Comment: This sequence change replaces proline, which is neutral and non-polar, with serine, which is neutral and polar, at codon 525 of the IQCB1 protein (p.Pro525Ser). This variant is not present in population databases (gnomAD no frequency). This variant has not been reported in the literature in individuals affected with IQCB1-related conditions. ClinVar contains an entry for this variant (Variation ID: 1955021). Advanced modeling of protein sequence and biophysical properties (such as structural, functional, and spatial information, amino acid conservation, physicochemical variation, residue mobility, and thermodynamic stability) has been performed at Invitae for this missense variant, however the output from this modeling did not meet the statistical confidence thresholds required to predict the impact of this variant on IQCB1 protein function. In summary, the available evidence is currently insufficient to determine the role of this variant in disease. Therefore, it has been classified as a Variant of Uncertain Significance.